The following is an entry in ClinVar:

NM_021930.6(RINT1):c.690-2A>G

Gene: RINT1 (RAD50 interactor 1; plus strand). Cytogenetic location: 7q22.3.
Variant type: single nucleotide variant.
Coding change: c.690-2A>G on transcript NM_021930.6 (MANE Select); the canonical splice acceptor site of the intron before coding-DNA position 690, A replaced by G.
Molecular consequence: splice acceptor variant. On other transcripts: intron variant (1).
Genome position (GRCh38, 1-based): chr7:105,547,182, A>G. VCF-style: chr7-105547182-A-G. GRCh37 (hg19) VCF-style: chr7-105187629-A-G.
Other names: c.-330-2A>G (NM_001346600.2); c.-233-2A>G (NM_001346601.2); c.-27-2873A>G (NM_001346603.2); c.456-2A>G (NM_001346599.2).
Identifiers: ClinVar variation 3646896 (VCV003646896.2).
Genomic context (GRCh38, chr7:105,547,182, plus strand): 5'-GATGGGTATTTGGTGATCATTTGGTGATGTACTGAAATGTATGTGTTACTTTTCCATTGC[A>G]GTGATTTTGAGGAAATTTTAGCACAGCTTCATTGGCCATTCATCGCACCCCCTCAATCAC-3'

ClinVar aggregate classification (germline): Likely pathogenic (1 of 4 stars; one submission).

Submission:

Labcorp Genetics (formerly Invitae), Labcorp
Classification: Likely pathogenic. Last evaluated: 2024-03-20. Review status: criteria provided, single submitter. Criteria: Invitae Variant Classification Sherloc (09022015). Collection method: clinical testing. Allele origin: germline.
Comment: This sequence change affects an acceptor splice site in intron 5 of the RINT1 gene. It is expected to disrupt RNA splicing. Variants that disrupt the donor or acceptor splice site typically lead to a loss of protein function (PMID: 16199547), and loss-of-function variants in RINT1 are known to be pathogenic (PMID: 31204009). This variant is not present in population databases (gnomAD no frequency). This variant has not been reported in the literature in individuals affected with RINT1-related conditions. Algorithms developed to predict the effect of sequence changes on RNA splicing suggest that this variant may disrupt the consensus splice site. In summary, the currently available evidence indicates that the variant is pathogenic, but additional data are needed to prove that conclusively. Therefore, this variant has been classified as Likely Pathogenic.

Literature cited by the submitters: PubMed 16199547; PubMed 31204009.